The following is an entry in ClinVar:

NM_182916.3(TRNT1):c.1190G>C (p.Gly397Ala)

Gene: TRNT1 (tRNA nucleotidyl transferase 1; plus strand). Cytogenetic location: 3p26.2.
Variant type: single nucleotide variant.
Coding change: c.1190G>C on transcript NM_182916.3 (MANE Select); coding-DNA position 1190, G replaced by C.
Protein change: p.Gly397Ala; replaces glycine 397 with alanine.
Molecular consequence: missense variant. On other transcripts: non-coding transcript variant (8).
Genome position (GRCh38, 1-based): chr3:3,148,039, G>C. VCF-style: chr3-3148039-G-C. GRCh37 (hg19) VCF-style: chr3-3189723-G-C.
Other names: c.1130G>C, p.Gly377Ala (NM_001302946.2); c.1190G>C, p.Gly397Ala (NM_001367321.1, NM_001367322.1, NM_001367323.1); short protein forms G377A, G397A.
Identifiers: ClinVar variation 1348199 (VCV001348199.3), dbSNP rs1427498466, ClinGen allele CA351449000.
Genomic context (GRCh38, chr3:3,148,039, plus strand): 5'-AAATGCAGCAGTGGTCCATTCCTCCATTTCCTGTAAGTGGCCATGACATCAGAAAAGTGG[G>C]CATTTCTTCAGGAAAAGAAATTGGGGCTCTATTACAACAGTTGCGAGAACAGTGGAAAAA-3'
Protein context (NP_886552.3, residues 387-407): PVSGHDIRKV[Gly397Ala]ISSGKEIGAL

ClinVar aggregate classification (germline): Uncertain significance (1 of 4 stars; one submission).

Conditions:
Congenital sideroblastic anemia-B-cell immunodeficiency-periodic fever-developmental delay syndrome. Also called: Sideroblastic anemia with B-cell immunodeficiency, periodic fevers, and developmental delay. Identifiers: Orphanet 369861, MedGen C4015172, MONDO:0014487, OMIM 616084.

Allele frequency attached by ClinVar (database versions not stated): gnomAD exomes below 0.00001; TOPMed 0.00001; gnomAD 0.00002.
gnomAD v4.1: 9 of 1,613,818 alleles (0.00056%); highest among the groups gnomAD compares: African/African-American, 0.0067%; no homozygotes.

Submission:

Labcorp Genetics (formerly Invitae), Labcorp
Classification: Uncertain significance for Congenital sideroblastic anemia-B-cell immunodeficiency-periodic fever-developmental delay syndrome. Last evaluated: 2022-08-19. Review status: criteria provided, single submitter. Criteria: Invitae Variant Classification Sherloc (09022015). Collection method: clinical testing. Allele origin: germline.
Comment: This sequence change replaces glycine, which is neutral and non-polar, with alanine, which is neutral and non-polar, at codon 397 of the TRNT1 protein (p.Gly397Ala). This variant is present in population databases (no rsID available, gnomAD 0.007%). This variant has not been reported in the literature in individuals affected with TRNT1-related conditions. ClinVar contains an entry for this variant (Variation ID: 1348199). Algorithms developed to predict the effect of missense changes on protein structure and function are either unavailable or do not agree on the potential impact of this missense change (SIFT: "Tolerated"; PolyPhen-2: "Possibly Damaging"; Align-GVGD: "Class C0"). In summary, the available evidence is currently insufficient to determine the role of this variant in disease. Therefore, it has been classified as a Variant of Uncertain Significance.